The following is an entry in ClinVar:

ClinVar aggregate classification (germline): Uncertain significance (1 of 4 stars; one submission).

Allele frequency attached by ClinVar (database versions not stated): gnomAD exomes 0.00001; ExAC 0.00002; gnomAD 0.00002; TOPMed 0.00005.
gnomAD v4.1: 23 of 1,613,062 alleles (0.0014%); highest among the groups gnomAD compares: Admixed American, 0.018%; no homozygotes.

Submission:

Labcorp Genetics (formerly Invitae), Labcorp
Classification: Uncertain significance. Last evaluated: 2023-12-11. Review status: criteria provided, single submitter. Criteria: Invitae Variant Classification Sherloc (09022015). Collection method: clinical testing. Allele origin: germline.
Comment: This sequence change replaces arginine, which is basic and polar, with glutamine, which is neutral and polar, at codon 160 of the VARS2 protein (p.Arg160Gln). This variant is present in population databases (rs760594580, gnomAD 0.02%). This variant has not been reported in the literature in individuals affected with VARS2-related conditions. ClinVar contains an entry for this variant (Variation ID: 1912062). Advanced modeling of protein sequence and biophysical properties (such as structural, functional, and spatial information, amino acid conservation, physicochemical variation, residue mobility, and thermodynamic stability) performed at Invitae indicates that this missense variant is not expected to disrupt VARS2 protein function with a negative predictive value of 80%. In summary, the available evidence is currently insufficient to determine the role of this variant in disease. Therefore, it has been classified as a Variant of Uncertain Significance.

NM_020442.6(VARS2):c.389G>A (p.Arg130Gln)

Gene: VARS2 (valyl-tRNA synthetase 2, mitochondrial; plus strand). Cytogenetic location: 6p21.33.
Variant type: single nucleotide variant.
Coding change: c.389G>A on transcript NM_020442.6 (MANE Select); coding-DNA position 389, G replaced by A.
Protein change: p.Arg130Gln; replaces arginine 130 with glutamine.
Molecular consequence: missense variant. On other transcripts: 5 prime UTR variant (1).
Genome position (GRCh38, 1-based): chr6:30,915,750, G>A. VCF-style: chr6-30915750-G-A. GRCh37 (hg19) VCF-style: chr6-30883527-G-A.
Other names: c.-32G>A (NM_001167733.3); c.479G>A, p.Arg160Gln (NM_001167734.2); short protein forms R130Q, R160Q.
Identifiers: ClinVar variation 1912062 (VCV001912062.3), dbSNP rs760594580, ClinGen allele CA3705584.
Genomic context (GRCh38, chr6:30,915,750, plus strand): 5'-TGCTCTTTCCCCAATCCAATTCTCTCTTGCCCCTTTGACTTTTTTTCTTCCTCTAGGCCC[G>A]GCTGCCCCAAGCTACAGGGGAGACCTTTTCCATGTGTATCCCACCTCCCAATGTCACTGG-3'
Protein context (NP_065175.4, residues 120-140): EGFFKPEYQA[Arg130Gln]LPQATGETFS